The following is an entry in ClinVar:

ClinVar aggregate classification (germline): Uncertain significance (1 of 4 stars; one submission).

gnomAD v4.1: 1 of 1,614,200 alleles (0.000062%); highest among the groups gnomAD compares: Non-Finnish European, 0.000085%; no homozygotes.

Submission:

GeneDx
Classification: Uncertain significance. Last evaluated: 2023-06-13. Review status: criteria provided, single submitter. Criteria: GeneDx Variant Classification Process June 2021. Collection method: clinical testing. Allele origin: germline. Affected: yes.
Comment: Not observed at significant frequency in large population cohorts (gnomAD); In silico analysis supports that this missense variant has a deleterious effect on protein structure/function; Has not been previously published as pathogenic or benign to our knowledge

NM_001365536.1(SCN9A):c.5417C>T (p.Ala1806Val)

Genes: SCN1A-AS1 (SCN1A and SCN9A antisense RNA 1; plus strand), SCN9A (sodium voltage-gated channel alpha subunit 9; minus strand). Cytogenetic location: 2q24.3.
Variant type: single nucleotide variant.
Coding change: c.5417C>T on transcript NM_001365536.1 (MANE Select); coding-DNA position 5417, C replaced by T.
Protein change: p.Ala1806Val; replaces alanine 1806 with valine.
Molecular consequence: missense variant.
Genome position (GRCh38, 1-based): chr2:166,199,222, G>A on the plus strand (C>T on the coding strand, the complement: SCN9A is on the minus strand). VCF-style: chr2-166199222-G-A. GRCh37 (hg19) VCF-style: chr2-167055732-G-A.
Other names: c.5384C>T, p.Ala1795Val (NM_002977.4); short protein forms A1795V, A1806V.
Identifiers: ClinVar variation 3359804 (VCV003359804.1).